The following is an entry in ClinVar:

ClinVar aggregate classification (germline): Uncertain significance. Review status: criteria provided, multiple submitters, no conflicts (2 of 4 stars). 2 submissions from 2 submitters: Uncertain significance (2). Last evaluated 2023-09-18.

Conditions:
Generalized epilepsy with febrile seizures plus, type 7 (GEFSP7). Also called: GEFS+, TYPE 7. Identifiers: Orphanet 36387, MedGen C2751778, MONDO:0013470, OMIM 613863.
Neuropathy, hereditary sensory and autonomic, type 2A (HSAN2A). Also called: ACROOSTEOLYSIS, GIACCAI TYPE; ACROOSTEOLYSIS, NEUROGENIC; HSAN IIA; WNK1-Related HSAN2 (HSAN2A); MORVAN DISEASE; NEUROPATHY, CONGENITAL SENSORY. Identifiers: Orphanet 970, MedGen C2752089, MONDO:0024309, OMIM 201300.

gnomAD v4.1: 1 of 1,614,120 alleles (0.000062%); no homozygotes.

Submissions (2):

Labcorp Genetics (formerly Invitae), Labcorp
Classification: Uncertain significance for Neuropathy, hereditary sensory and autonomic, type 2A; Generalized epilepsy with febrile seizures plus, type 7. Last evaluated: 2023-09-18. Review status: criteria provided, single submitter. Criteria: Invitae Variant Classification Sherloc (09022015). Collection method: clinical testing. Allele origin: germline.
Comment: This sequence change replaces alanine, which is neutral and non-polar, with threonine, which is neutral and polar, at codon 1805 of the SCN9A protein (p.Ala1805Thr). This variant is not present in population databases (gnomAD no frequency). This variant has not been reported in the literature in individuals affected with SCN9A-related conditions. ClinVar contains an entry for this variant (Variation ID: 639555). Advanced modeling of protein sequence and biophysical properties (such as structural, functional, and spatial information, amino acid conservation, physicochemical variation, residue mobility, and thermodynamic stability) performed at Invitae indicates that this missense variant is not expected to disrupt SCN9A protein function. In summary, the available evidence is currently insufficient to determine the role of this variant in disease. Therefore, it has been classified as a Variant of Uncertain Significance.

Blueprint Genetics
Classification: Uncertain significance. Last evaluated: 2019-06-21. Review status: criteria provided, single submitter. Criteria: ACMG Guidelines, 2015. Collection method: clinical testing. Allele origin: germline.

NM_001365536.1(SCN9A):c.5446G>A (p.Ala1816Thr)

Genes: SCN1A-AS1 (SCN1A and SCN9A antisense RNA 1; plus strand), SCN9A (sodium voltage-gated channel alpha subunit 9; minus strand). Cytogenetic location: 2q24.3.
Variant type: single nucleotide variant.
Coding change: c.5446G>A on transcript NM_001365536.1 (MANE Select); coding-DNA position 5446, G replaced by A.
Protein change: p.Ala1816Thr; replaces alanine 1816 with threonine.
Molecular consequence: missense variant.
Genome position (GRCh38, 1-based): chr2:166,199,193, C>T on the plus strand (G>A on the coding strand, the complement: SCN9A is on the minus strand). VCF-style: chr2-166199193-C-T. GRCh37 (hg19) VCF-style: chr2-167055703-C-T.
Other names: c.5413G>A, p.Ala1805Thr (NM_002977.4); short protein forms A1805T, A1816T.
Identifiers: ClinVar variation 639555 (VCV000639555.10), dbSNP rs1574691835, ClinGen allele CA349052795.